The following is an entry in ClinVar:

ClinVar aggregate classification (germline): Uncertain significance. Review status: criteria provided, multiple submitters, no conflicts (2 of 4 stars). 2 submissions from 2 submitters: Uncertain significance (2). Last evaluated 2025-04-19.

Conditions:
Cardiomyopathy (CMYO). Also called: Cardiomyopathies. Identifiers: Orphanet 167848, MedGen C0878544, MONDO:0004994, HP:0001638. Inheritance: Various modes of inheritance.
Catecholaminergic polymorphic ventricular tachycardia (CVPT). Also called: Catecholamine-induced polymorphic ventricular tachycardia. Identifiers: Orphanet 3286, MedGen C5574922, MONDO:0017990.

Submissions (2):

Color Diagnostics, LLC DBA Color Health
Classification: Uncertain significance for Cardiomyopathy. Last evaluated: 2025-04-19. Review status: criteria provided, single submitter. Criteria: ACMG Guidelines, 2015. Collection method: clinical testing. Allele origin: germline.
Comment: This missense variant replaces serine with proline at codon 953 of the RYR2 protein. Computational prediction suggests that this variant may not impact protein structure and function. To our knowledge, functional studies have not been reported for this variant. This variant has not been reported in individuals affected with RYR2-related disorders in the literature. This variant has not been identified in the general population by the Genome Aggregation Database (gnomAD). The available evidence is insufficient to determine the role of this variant in disease conclusively. Therefore, this variant is classified as a Variant of Uncertain Significance.

All of Us Research Program, National Institutes of Health
Classification: Uncertain significance for Catecholaminergic polymorphic ventricular tachycardia. Last evaluated: 2023-08-15. Review status: criteria provided, single submitter. Criteria: ACMG Guidelines, 2015. Collection method: clinical testing. Allele origin: germline. Inheritance: Autosomal dominant inheritance. Observed: 1 variant allele, 1 heterozygote.
Comment: This study involves interpretation of variants in research participants for the purpose of population health screening. Participant phenotype was not available at the time of variant classification. Additional details can be found in publication PMID: 35346344, PMCID: PMC8962531

NM_001035.3(RYR2):c.2857T>C (p.Ser953Pro)

Gene: RYR2 (ryanodine receptor 2; plus strand). Cytogenetic location: 1q43.
Variant type: single nucleotide variant.
Coding change: c.2857T>C on transcript NM_001035.3 (MANE Select); coding-DNA position 2857, T replaced by C.
Protein change: p.Ser953Pro; replaces serine 953 with proline.
Molecular consequence: missense variant.
Genome position (GRCh38, 1-based): chr1:237,530,461, T>C. VCF-style: chr1-237530461-T-C. GRCh37 (hg19) VCF-style: chr1-237693761-T-C.
Other names: short protein forms S953P.
Identifiers: ClinVar variation 3072514 (VCV003072514.2), dbSNP rs928602665, ClinGen allele CA39798662.